The following is an entry in ClinVar:

ClinVar aggregate classification (germline): Uncertain significance. Review status: criteria provided, multiple submitters, no conflicts (2 of 4 stars). 2 submissions from 2 submitters: Uncertain significance (2). Last evaluated 2025-03-05.

Conditions:
Peroxisome biogenesis disorder 11A (Zellweger). Also called: Peroxisome biogenesis disorder 11A. Identifiers: Orphanet 912, MedGen C3554000, MONDO:0013949, OMIM 614883.
Inborn genetic diseases. Identifiers: MedGen C0950123, MeSH D030342.

Allele frequency attached by ClinVar (database versions not stated): gnomAD exomes 0.00001; ExAC 0.00001.
gnomAD v4.1: 3 of 1,614,100 alleles (0.00019%); highest among the groups gnomAD compares: Admixed American, 0.0033%; no homozygotes.

Submissions (2):

Ambry Genetics
Classification: Uncertain significance for Inborn genetic diseases. Last evaluated: 2025-03-05. Review status: criteria provided, single submitter. Criteria: Ambry Variant Classification Scheme 2023. Collection method: clinical testing. Allele origin: germline.

Labcorp Genetics (formerly Invitae), Labcorp
Classification: Uncertain significance for Peroxisome biogenesis disorder 11A (Zellweger). Last evaluated: 2022-08-16. Review status: criteria provided, single submitter. Criteria: Invitae Variant Classification Sherloc (09022015). Collection method: clinical testing. Allele origin: germline.
Comment: This sequence change replaces proline, which is neutral and non-polar, with alanine, which is neutral and non-polar, at codon 73 of the PEX13 protein (p.Pro73Ala). This variant is present in population databases (rs767895802, gnomAD 0.009%). This variant has not been reported in the literature in individuals affected with PEX13-related conditions. ClinVar contains an entry for this variant (Variation ID: 1353183). Algorithms developed to predict the effect of missense changes on protein structure and function are either unavailable or do not agree on the potential impact of this missense change (SIFT: "Tolerated"; PolyPhen-2: "Possibly Damaging"; Align-GVGD: "Class C0"). In summary, the available evidence is currently insufficient to determine the role of this variant in disease. Therefore, it has been classified as a Variant of Uncertain Significance.

NM_002618.4(PEX13):c.217C>G (p.Pro73Ala)

Gene: PEX13 (peroxisomal biogenesis factor 13; plus strand). Cytogenetic location: 2p15.
Variant type: single nucleotide variant.
Coding change: c.217C>G on transcript NM_002618.4 (MANE Select); coding-DNA position 217, C replaced by G.
Protein change: p.Pro73Ala; replaces proline 73 with alanine.
Molecular consequence: missense variant.
Genome position (GRCh38, 1-based): chr2:61,031,543, C>G. VCF-style: chr2-61031543-C-G. GRCh37 (hg19) VCF-style: chr2-61258678-C-G.
Other names: c.217C>G (NM_002618.3); short protein forms P73A.
Identifiers: ClinVar variation 1353183 (VCV001353183.6), dbSNP rs767895802, ClinGen allele CA1673257.